The following is an entry in ClinVar:

NM_001267550.2(TTN):c.87436G>T (p.Val29146Phe)

Genes: TTN (titin; minus strand), TTN-AS1 (TTN antisense RNA 1; plus strand). Cytogenetic location: 2q31.2.
Variant type: single nucleotide variant.
Coding change: c.87436G>T on transcript NM_001267550.2 (MANE Select); coding-DNA position 87436, G replaced by T.
Protein change: p.Val29146Phe; replaces valine 29146 with phenylalanine.
Molecular consequence: missense variant.
Genome position (GRCh38, 1-based): chr2:178,557,918, C>A on the plus strand (G>T on the coding strand, the complement: TTN is on the minus strand). VCF-style: chr2-178557918-C-A. GRCh37 (hg19) VCF-style: chr2-179422645-C-A.
Other names: p.V27505F:GTT>TTT; c.87436G>T (NM_001267550.1); c.82513G>T, p.Val27505Phe (NM_001256850.1); c.60241G>T, p.Val20081Phe (NM_003319.4); c.79732G>T, p.Val26578Phe (NM_133378.4); c.60616G>T, p.Val20206Phe (NM_133432.3); c.60817G>T, p.Val20273Phe (NM_133437.4); short protein forms V27505F, V29146F, V26578F, V20206F, V20081F, V20273F.
Identifiers: ClinVar variation 202940 (VCV000202940.3), dbSNP rs794729520, ClinGen allele CA310750.

ClinVar aggregate classification (germline): Uncertain significance (1 of 4 stars; one submission).

Allele frequency attached by ClinVar (database versions not stated): gnomAD 0.00001; TOPMed 0.00001.
gnomAD v4.1: 2 of 1,613,224 alleles (0.00012%); highest among the groups gnomAD compares: African/African-American, 0.0027%; no homozygotes.

Submission:

GeneDx
Classification: Uncertain significance. Last evaluated: 2025-11-04. Review status: criteria provided, single submitter. Criteria: GeneDx Variant Classification Process June 2021. Collection method: clinical testing. Allele origin: germline. Affected: yes.
Comment: Not observed at significant frequency in large population cohorts (gnomAD); Missense variant in a gene in which most reported pathogenic variants are truncating/loss of function; Has not been previously published as pathogenic or benign to our knowledge